The following is an entry in ClinVar:

NM_032656.4(DHX37):c.2287C>T (p.Arg763Trp)

Gene: DHX37 (DEAH-box helicase 37; minus strand). Cytogenetic location: 12q24.31.
Variant type: single nucleotide variant.
Coding change: c.2287C>T on transcript NM_032656.4 (MANE Select); coding-DNA position 2287, C replaced by T.
Protein change: p.Arg763Trp; replaces arginine 763 with tryptophan.
Molecular consequence: missense variant.
Genome position (GRCh38, 1-based): chr12:124,956,857, G>A on the plus strand (C>T on the coding strand, the complement: DHX37 is on the minus strand). VCF-style: chr12-124956857-G-A. GRCh37 (hg19) VCF-style: chr12-125441403-G-A.
Other names: short protein forms R763W.
Identifiers: ClinVar variation 4752441 (VCV004752441.1).

ClinVar aggregate classification (germline): Uncertain significance (1 of 4 stars; one submission).

gnomAD v4.1: 24 of 1,597,948 alleles (0.0015%); highest among the groups gnomAD compares: South Asian, 0.0056%; no homozygotes.

Submission:

Labcorp Genetics (formerly Invitae), Labcorp
Classification: Uncertain significance. Last evaluated: 2025-04-11. Review status: criteria provided, single submitter. Criteria: Invitae Variant Classification Sherloc (09022015). Collection method: clinical testing. Allele origin: germline.
Comment: This sequence change replaces arginine, which is basic and polar, with tryptophan, which is neutral and slightly polar, at codon 763 of the DHX37 protein (p.Arg763Trp). This variant is present in population databases (rs770231743, gnomAD 0.007%). This variant has not been reported in the literature in individuals affected with DHX37-related conditions. An algorithm developed to predict the effect of missense changes on protein structure and function (PolyPhen-2) suggests that this variant is likely to be tolerated. In summary, the available evidence is currently insufficient to determine the role of this variant in disease. Therefore, it has been classified as a Variant of Uncertain Significance.